The following is an entry in ClinVar:

NM_005732.4(RAD50):c.1A>G (p.Met1Val)

Gene: RAD50 (RAD50 double strand break repair protein; plus strand). Cytogenetic location: 5q31.1.
Variant type: single nucleotide variant.
Coding change: c.1A>G on transcript NM_005732.4 (MANE Select); coding-DNA position 1, A replaced by G.
Protein change: p.Met1Val; changes the start codon (methionine 1).
Molecular consequence: missense variant, initiator codon variant.
Genome position (GRCh38, 1-based): chr5:132,557,325, A>G. VCF-style: chr5-132557325-A-G. GRCh37 (hg19) VCF-style: chr5-131893017-A-G.
Other names: short protein forms M1V.
Identifiers: ClinVar variation 229813 (VCV000229813.11), dbSNP rs876658212, ClinGen allele CA10578467.

ClinVar aggregate classification (germline): Likely pathogenic. Review status: criteria provided, multiple submitters, no conflicts (2 of 4 stars). 2 submissions from 2 submitters: Likely pathogenic (2). Last evaluated 2021-11-12.

Conditions:
Hereditary cancer-predisposing syndrome. Also called: Hereditary neoplastic syndrome; Hereditary Cancer Syndrome; Neoplastic Syndromes, Hereditary; Tumor predisposition. Identifiers: Orphanet 140162, MedGen C0027672, MeSH D009386, MONDO:0015356.

Submissions (2):

Labcorp Genetics (formerly Invitae), Labcorp
Classification: Likely pathogenic for Hereditary cancer-predisposing syndrome. Last evaluated: 2021-11-12. Review status: criteria provided, single submitter. Criteria: Invitae Variant Classification Sherloc (09022015). Collection method: clinical testing. Allele origin: germline.
Comment: In summary, the currently available evidence indicates that the variant is pathogenic, but additional data are needed to prove that conclusively. Therefore, this variant has been classified as Likely Pathogenic. ClinVar contains an entry for this variant (Variation ID: 229813). A different variant (c.3G>A) giving rise to the same protein effect has been determined to be pathogenic (PMID: 26023681, 26094658; Invitae). This suggests that this variant is also likely to be causative of disease. This variant is not present in population databases (gnomAD no frequency). This sequence change affects the initiator methionine of the RAD50 mRNA. The next in-frame methionine is located at codon 7.

Ambry Genetics
Classification: Likely pathogenic for Hereditary cancer-predisposing syndrome. Last evaluated: 2016-12-23. Review status: criteria provided, single submitter. Criteria: Ambry Variant Classification Scheme 2023. Collection method: clinical testing. Allele origin: germline.
Comment: The p.M1? variant (also known as c.1A>G), located in coding exon 1 of the RAD50 gene, results from an A to G substitution at nucleotide position 1. This alters the methionine residue at the initiation codon. However, the RAD50 gene contains a second methionine 21 nucleotides (seven amino acids) downstream of the canonical start site. This has the potential to function as an alternate translation initiation site, resulting in the removal of the first six amino acids from protein, however, direct evidence is unavailable. In addition to the clinical data presented in the literature, since sequence variations that modify the initiation codon (ATG) are expected to result in either loss of translation initiation, N-terminal truncation, or cause a shift in the mRNA reading frame, the p.M1? variant is interpreted as likely pathogenic.

Literature cited by the submitters: PubMed 26023681 (cited by Labcorp Genetics (formerly Invitae), Labcorp and Ambry Genetics); PubMed 26094658 (cited by Labcorp Genetics (formerly Invitae), Labcorp and Ambry Genetics).